The following is an entry in ClinVar:

ClinVar aggregate classification (germline): Likely benign. Review status: criteria provided, multiple submitters, no conflicts (2 of 4 stars). 5 submissions from 5 submitters: Likely benign (3). 2 of the submissions do not count toward it. Last evaluated 2026-07-01.

Conditions:
Severe combined immunodeficiency due to DNA-PKcs deficiency. Also called: Immunodeficiency 26 with or without neurologic abnormalities; IMMUNODEFICIENCY 26 WITH NEUROLOGIC ABNORMALITIES. Identifiers: Orphanet 317425, MedGen C4014833, MONDO:0014423, OMIM 615966.

Allele frequency attached by ClinVar (database versions not stated): gnomAD 0.00070; 1000 Genomes Project 30x 0.00078; 1000 Genomes Project 0.00080; ExAC 0.00092; gnomAD exomes 0.00104; TOPMed 0.00104; ESP Exome Variant Server 0.00131.
gnomAD v4.1: 2,620 of 1,613,286 alleles (0.16%); highest among the groups gnomAD compares: Non-Finnish European, 0.2%; 3 homozygotes.

Submissions (5):

CeGaT Center for Human Genetics Tuebingen
Classification: Likely benign. Last evaluated: 2026-07-01. Review status: criteria provided, single submitter. Criteria: CeGaT Center For Human Genetics Tuebingen Variant Classification Criteria Version 2. Collection method: clinical testing. Allele origin: germline. Affected: yes. Observed: 1 variant allele.
Comment: PRKDC: BP4

Labcorp Genetics (formerly Invitae), Labcorp
Classification: Likely benign for Severe combined immunodeficiency due to DNA-PKcs deficiency. Last evaluated: 2026-02-02. Review status: criteria provided, single submitter. Criteria: Invitae Variant Classification Sherloc (09022015). Collection method: clinical testing. Allele origin: germline.

Blueprint Genetics
Classification: Likely benign. Last evaluated: 2024-11-26. Review status: criteria provided, single submitter. Criteria: ACMG Guidelines, 2015. Collection method: clinical testing. Allele origin: germline.

Clinical Genetics DNA and cytogenetics Diagnostics Lab, Erasmus MC, Erasmus Medical Center
Classification: Likely benign. Review status: no assertion criteria provided. Collection method: clinical testing. Allele origin: germline. Affected: yes. Study: VKGL Data-share Consensus. Not counted in ClinVar's aggregate classification.

Genome Diagnostics Laboratory, University Medical Center Utrecht
Classification: Likely benign. Review status: no assertion criteria provided. Collection method: clinical testing. Allele origin: germline. Affected: yes. Study: VKGL Data-share Consensus. Not counted in ClinVar's aggregate classification.

NM_006904.7(PRKDC):c.4009G>A (p.Val1337Ile)

Gene: PRKDC (protein kinase, DNA-activated, catalytic subunit; minus strand). Cytogenetic location: 8q11.21.
Variant type: single nucleotide variant.
Coding change: c.4009G>A on transcript NM_006904.7 (MANE Select); coding-DNA position 4009, G replaced by A.
Protein change: p.Val1337Ile; replaces valine 1337 with isoleucine.
Molecular consequence: missense variant.
Genome position (GRCh38, 1-based): chr8:47,890,319, C>T on the plus strand (G>A on the coding strand, the complement: PRKDC is on the minus strand). VCF-style: chr8-47890319-C-T. GRCh37 (hg19) VCF-style: chr8-48802880-C-T.
Other names: c.4009G>A, p.Val1337Ile (NM_001081640.2); short protein forms V1337I.
Identifiers: ClinVar variation 542005 (VCV000542005.17), dbSNP rs56080897, ClinGen allele CA4741038.